The following is an entry in ClinVar:

ClinVar aggregate classification (germline): Pathogenic (1 of 4 stars; one submission).

Conditions:
Mucopolysaccharidosis type 1. Also called: IDUA deficiency; MPS I; Mucopolysaccharidosis Type I. Identifiers: Orphanet 579, MedGen C0023786, MONDO:0001586.

Submission:

Labcorp Genetics (formerly Invitae), Labcorp
Classification: Pathogenic for Mucopolysaccharidosis type 1. Last evaluated: 2021-08-18. Review status: criteria provided, single submitter. Criteria: Invitae Variant Classification Sherloc (09022015). Collection method: clinical testing. Allele origin: germline.
Comment: For these reasons, this variant has been classified as Pathogenic. This sequence change creates a premature translational stop signal (p.Thr364Alafs*77) in the IDUA gene. It is expected to result in an absent or disrupted protein product. Loss-of-function variants in IDUA are known to be pathogenic (PMID: 11735025, 21480867). This variant is not present in population databases (ExAC no frequency). This variant has not been reported in the literature in individuals affected with IDUA-related conditions.

Literature cited by the submitters: PubMed 11735025; PubMed 21480867.

NM_000203.5(IDUA):c.1088_1089dup (p.Thr364fs)

Gene: IDUA (alpha-L-iduronidase; plus strand). Cytogenetic location: 4p16.3.
Variant type: Microsatellite.
Coding change: c.1088_1089dup on transcript NM_000203.5 (MANE Select); coding-DNA positions 1088 to 1089, 2 bases duplicated (GC; older notation c.1088_1089dupGC).
Protein change: p.Thr364fs; shifts the reading frame from threonine 364.
Molecular consequence: frameshift variant. On other transcripts: non-coding transcript variant (1).
Genome position (GRCh38, 1-based): chr4:1,002,384-1,002,385, GC duplicated; duplicating any 2 consecutive bases within chr4:1,002,382-1,002,385 gives the same sequence; the c. name uses the placement nearest the transcript's 3' end. VCF-style (leftmost placement, unchanged base first): chr4-1002381-A-AGC. GRCh37 (hg19) VCF-style: chr4-996169-A-AGC.
Other names: c.692_693dup, p.Thr232fs (NM_001363576.1); short protein forms T232fs, T364fs.
Identifiers: ClinVar variation 1456544 (VCV001456544.6), dbSNP rs2153022390, ClinGen allele CA2580616051.